The following is an entry in ClinVar:

NM_004168.4(SDHA):c.1545G>A (p.Met515Ile)

Gene: SDHA (succinate dehydrogenase complex flavoprotein subunit A; plus strand). Cytogenetic location: 5p15.33.
Variant type: single nucleotide variant.
Coding change: c.1545G>A on transcript NM_004168.4 (MANE Select); coding-DNA position 1545, G replaced by A.
Protein change: p.Met515Ile; replaces methionine 515 with isoleucine.
Molecular consequence: missense variant.
Genome position (GRCh38, 1-based): chr5:240,470, G>A. VCF-style: chr5-240470-G-A. GRCh37 (hg19) VCF-style: chr5-240585-G-A.
Other names: c.1545G>A (NM_004168.2); c.1401G>A, p.Met467Ile (NM_001294332.2); c.1545G>A, p.Met515Ile (NM_001330758.2); short protein forms M515I, M467I.
Identifiers: ClinVar variation 1999624 (VCV001999624.6), dbSNP rs1736069479, ClinGen allele CA359014395.

ClinVar aggregate classification (germline): Uncertain significance. Review status: criteria provided, multiple submitters, no conflicts (2 of 4 stars). 3 submissions from 3 submitters: Uncertain significance (3). Last evaluated 2026-02-03.

Conditions:
Hereditary cancer-predisposing syndrome. Also called: Neoplastic Syndromes, Hereditary; Tumor predisposition; Hereditary Cancer Syndrome; Hereditary neoplastic syndrome. Identifiers: Orphanet 140162, MedGen C0027672, MeSH D009386, MONDO:0015356.
Mitochondrial complex II deficiency, nuclear type 1. Also called: SUCCINATE CoQ REDUCTASE DEFICIENCY. Identifiers: Orphanet 3208, MedGen C5700310, MONDO:0100294, OMIM 252011.
Pheochromocytoma/paraganglioma syndrome 5. Also called: Paragangliomas 5; SDHA-Related Hereditary Paraganglioma-Pheochromocytoma Syndrome. Identifiers: Orphanet 29072, MedGen C3279992, MONDO:0013602, OMIM 614165.

Submissions (3):

Ambry Genetics
Classification: Uncertain significance for Hereditary cancer-predisposing syndrome. Last evaluated: 2026-02-03. Review status: criteria provided, single submitter. Criteria: Ambry Variant Classification Scheme 2023. Collection method: clinical testing. Allele origin: germline.
Comment: The p.M515I variant (also known as c.1545G>A), located in coding exon 11 of the SDHA gene, results from a G to A substitution at nucleotide position 1545. The methionine at codon 515 is replaced by isoleucine, an amino acid with highly similar properties. This amino acid position is conserved. In addition, this alteration is predicted to be deleterious by in silico analysis. Based on the available evidence, the clinical significance of this variant remains unclear.

Blueprint Genetics
Classification: Uncertain significance. Last evaluated: 2024-08-01. Review status: criteria provided, single submitter. Criteria: ACMG Guidelines, 2015. Collection method: clinical testing. Allele origin: germline.

Labcorp Genetics (formerly Invitae), Labcorp
Classification: Uncertain significance for Pheochromocytoma/paraganglioma syndrome 5; Mitochondrial complex II deficiency, nuclear type 1. Last evaluated: 2022-07-17. Review status: criteria provided, single submitter. Criteria: Invitae Variant Classification Sherloc (09022015). Collection method: clinical testing. Allele origin: germline.
Comment: In summary, the available evidence is currently insufficient to determine the role of this variant in disease. Therefore, it has been classified as a Variant of Uncertain Significance. Advanced modeling of protein sequence and biophysical properties (such as structural, functional, and spatial information, amino acid conservation, physicochemical variation, residue mobility, and thermodynamic stability) performed at Invitae indicates that this missense variant is not expected to disrupt SDHA protein function. This variant has not been reported in the literature in individuals affected with SDHA-related conditions. This variant is not present in population databases (gnomAD no frequency). This sequence change replaces methionine, which is neutral and non-polar, with isoleucine, which is neutral and non-polar, at codon 515 of the SDHA protein (p.Met515Ile).